The following is an entry in ClinVar:

ClinVar aggregate classification (germline): Uncertain significance (1 of 4 stars; one submission).

Submission:

Labcorp Genetics (formerly Invitae), Labcorp
Classification: Uncertain significance. Last evaluated: 2024-10-17. Review status: criteria provided, single submitter. Criteria: Invitae Variant Classification Sherloc (09022015). Collection method: clinical testing. Allele origin: germline.
Comment: This sequence change falls in intron 10 of the ITPR1 gene. It does not directly change the encoded amino acid sequence of the ITPR1 protein. It affects a nucleotide within the consensus splice site. This variant is not present in population databases (gnomAD no frequency). This variant has not been reported in the literature in individuals affected with ITPR1-related conditions. Variants that disrupt the consensus splice site are a relatively common cause of aberrant splicing (PMID: 17576681, 9536098). Algorithms developed to predict the effect of sequence changes on RNA splicing suggest that this variant is not likely to affect RNA splicing. In summary, the available evidence is currently insufficient to determine the role of this variant in disease. Therefore, it has been classified as a Variant of Uncertain Significance.

Literature cited by the submitters: PubMed 17576681; PubMed 9536098.

NM_001378452.1(ITPR1):c.855+6G>A

Gene: ITPR1 (inositol 1,4,5-trisphosphate receptor type 1; plus strand). Cytogenetic location: 3p26.1.
Variant type: single nucleotide variant.
Coding change: c.855+6G>A on transcript NM_001378452.1 (MANE Select); 6 bases into the intron after coding-DNA position 855, G replaced by A.
Molecular consequence: intron variant.
Genome position (GRCh38, 1-based): chr3:4,645,734, G>A. VCF-style: chr3-4645734-G-A. GRCh37 (hg19) VCF-style: chr3-4687418-G-A.
Other names: c.855+6G>A (NM_001099952.4, NM_001168272.2, NM_002222.7).
Identifiers: ClinVar variation 2810610 (VCV002810610.3), dbSNP rs2470620295, ClinGen allele CA2739278162.